The following is an entry in ClinVar:

ClinVar aggregate classification (germline): Uncertain significance (1 of 4 stars; one submission).

Submission:

Labcorp Genetics (formerly Invitae), Labcorp
Classification: Uncertain significance. Last evaluated: 2022-12-31. Review status: criteria provided, single submitter. Criteria: Invitae Variant Classification Sherloc (09022015). Collection method: clinical testing. Allele origin: germline.
Comment: In summary, the available evidence is currently insufficient to determine the role of this variant in disease. Therefore, it has been classified as a Variant of Uncertain Significance. This variant has not been reported in the literature in individuals affected with GUF1-related conditions. A gross deletion of the genomic region encompassing the full coding sequence of the GUF1 gene has been identified. The current clinical and genetic evidence is not sufficient to establish whether loss-of-function variants in GUF1 cause disease. The boundaries of this event are unknown as they extend beyond the assayed region for this gene and therefore may encompass additional genes.

NC_000004.11:g.(?_44680640)_(44700698_?)del

Gene: GUF1 (GTP binding elongation factor GUF1; plus strand). Cytogenetic location: 4p12.
Variant type: Deletion.
Identifiers: ClinVar variation 2426691 (VCV002426691.4).